The following is an entry in ClinVar:

NM_001165963.4(SCN1A):c.4511A>T (p.Gln1504Leu)

Genes: SCN1A (sodium voltage-gated channel alpha subunit 1; minus strand), LOC102724058 (uncharacterized LOC102724058; plus strand). Cytogenetic location: 2q24.3.
Variant type: single nucleotide variant.
Coding change: c.4511A>T on transcript NM_001165963.4 (MANE Select); coding-DNA position 4511, A replaced by T.
Protein change: p.Gln1504Leu; replaces glutamine 1504 with leucine.
Molecular consequence: missense variant. On other transcripts: non-coding transcript variant (1).
Genome position (GRCh38, 1-based): chr2:165,996,083, T>A on the plus strand (A>T on the coding strand, the complement: SCN1A is on the minus strand). VCF-style: chr2-165996083-T-A. GRCh37 (hg19) VCF-style: chr2-166852593-T-A.
Other names: p.Q1504L:CAG>CTG; c.4427A>T, p.Gln1476Leu (NM_001165964.3, NM_001353957.2, NM_001353958.2); c.4511A>T, p.Gln1504Leu (NM_001202435.3, NM_001353948.2); c.4478A>T, p.Gln1493Leu (NM_001353949.2, NM_001353950.2, NM_001353951.2 and 2 more transcripts); c.4475A>T, p.Gln1492Leu (NM_001353954.2, NM_001353955.2); c.4424A>T, p.Gln1475Leu (NM_001353960.2); c.2069A>T, p.Gln690Leu (NM_001353961.2); short protein forms Q1493L, Q1504L, Q1492L, Q1476L, Q690L, Q1475L.
Identifiers: ClinVar variation 206834 (VCV000206834.2), dbSNP rs796053018, ClinGen allele CA317481.

ClinVar aggregate classification (germline): Likely pathogenic (1 of 4 stars; one submission).

Submission:

GeneDx
Classification: Likely pathogenic. Last evaluated: 2013-08-02. Review status: criteria provided, single submitter. Criteria: GeneDx Variant Classification (06012015). Collection method: clinical testing. Allele origin: germline. Affected: yes.
Comment: The Gln1504Leu missense change has not been published as a mutation, nor has it been reported as a benign polymorphism to our knowledge. It was not observed in approximately 6,500 individuals of European and African American ancestry in the NHLBI Exome Sequencing Project, indicating it is not a common benign variant in these populations. This variant is a non-conservative amino acid substitution of a polar Glutamine residue with a non-polar Leucine residue. It alters a highly conserved position in the intracellular loop between the third and fourth transmembrane domains, and other missense mutations have been reported in this region of the protein in association with SCN1A-related disorders in an external mutation database. Additionally, in silico analysis predicts this variant is probably damaging to the protein structure/function. Therefore, based on the currently available information, Gln1504Leu is a strong candidate for a disease-causing mutation, although the possibility that it is a benign variant cannot be completely excluded. The variant is found in EPILEPSY panel(s).